The following is an entry in ClinVar:

ClinVar aggregate classification (germline): Uncertain significance. Review status: criteria provided, multiple submitters, no conflicts (2 of 4 stars). 3 submissions from 3 submitters: Uncertain significance (3). Last evaluated 2026-06-18.

Conditions:
Oculodentodigital dysplasia, autosomal recessive. Also called: OCULODENTOOSSEOUS DYSPLASIA, AUTOSOMAL RECESSIVE; ODDD, AUTOSOMAL RECESSIVE; ODOD, AUTOSOMAL RECESSIVE. Identifiers: Orphanet 2710, MedGen C2749477, MONDO:0009768, OMIM 257850.

Allele frequency attached by ClinVar (database versions not stated): gnomAD exomes 0.00004 and below 0.00001; ESP Exome Variant Server 0.00008.
gnomAD v4.1: 60 of 1,614,046 alleles (0.0037%); highest among the groups gnomAD compares: Non-Finnish European, 0.0051%; no homozygotes.

Submissions (3):

Women's Health and Genetics/Laboratory Corporation of America, LabCorp
Classification: Uncertain significance. Last evaluated: 2026-06-18. Review status: criteria provided, single submitter. Criteria: LabCorp Variant Classification Summary - May 2015. Collection method: clinical testing. Allele origin: germline.
Comment: Variant summary: GJA1 c.502G>A (p.Ala168Thr) results in a non-conservative amino acid change in the encoded protein sequence. Algorithms developed to predict the effect of missense changes on protein structure and function all suggest that this variant is likely to be disruptive. The variant allele was found at a frequency of 4e-06 in 251488 control chromosomes. c.502G>A has been observed in related individuals affected with syndactyly (Khan_2025). This report does not provide unequivocal conclusions about association of the variant with disease. To our knowledge, no experimental evidence demonstrating an impact on protein function has been reported. The following publication has been ascertained in the context of this evaluation (PMID: 39639541). ClinVar contains an entry for this variant (Variation ID: 1693316). Based on the evidence outlined above, the variant was classified as uncertain significance.

Labcorp Genetics (formerly Invitae), Labcorp
Classification: Uncertain significance for Oculodentodigital dysplasia, autosomal recessive. Last evaluated: 2024-05-31. Review status: criteria provided, single submitter. Criteria: Invitae Variant Classification Sherloc (09022015). Collection method: clinical testing. Allele origin: germline.
Comment: This sequence change replaces alanine, which is neutral and non-polar, with threonine, which is neutral and polar, at codon 168 of the GJA1 protein (p.Ala168Thr). This variant is present in population databases (rs2228961, gnomAD 0.0009%). This variant has not been reported in the literature in individuals affected with GJA1-related conditions. ClinVar contains an entry for this variant (Variation ID: 1693316). Advanced modeling of protein sequence and biophysical properties (such as structural, functional, and spatial information, amino acid conservation, physicochemical variation, residue mobility, and thermodynamic stability) performed at Invitae indicates that this missense variant is not expected to disrupt GJA1 protein function with a negative predictive value of 80%. In summary, the available evidence is currently insufficient to determine the role of this variant in disease. Therefore, it has been classified as a Variant of Uncertain Significance.

GeneDx
Classification: Uncertain significance. Last evaluated: 2022-06-28. Review status: criteria provided, single submitter. Criteria: GeneDx Variant Classification Process June 2021. Collection method: clinical testing. Allele origin: germline. Affected: yes.
Comment: Not observed at significant frequency in large population cohorts (gnomAD); In silico analysis supports that this missense variant does not alter protein structure/function; Has not been previously published as pathogenic or benign to our knowledge; This variant is associated with the following publications: (PMID: 15083360)

Literature cited by the submitters: PubMed 39639541 (cited by Women's Health and Genetics/Laboratory Corporation of America, LabCorp).

NM_000165.5(GJA1):c.502G>A (p.Ala168Thr)

Gene: GJA1 (gap junction protein alpha 1; plus strand). Cytogenetic location: 6q22.31.
Variant type: single nucleotide variant.
Coding change: c.502G>A on transcript NM_000165.5 (MANE Select); coding-DNA position 502, G replaced by A.
Protein change: p.Ala168Thr; replaces alanine 168 with threonine.
Molecular consequence: missense variant.
Genome position (GRCh38, 1-based): chr6:121,447,349, G>A. VCF-style: chr6-121447349-G-A. GRCh37 (hg19) VCF-style: chr6-121768495-G-A.
Other names: short protein forms A168T.
Identifiers: ClinVar variation 1693316 (VCV001693316.6), dbSNP rs2228961, ClinGen allele CA146810029.
Genomic context (GRCh38, chr6:121,447,349, plus strand): 5'-CGAGGGGGGTTGCTGCGAACCTACATCATCAGTATCCTCTTCAAGTCTATCTTTGAGGTG[G>A]CCTTCTTGCTGATCCAGTGGTACATCTATGGATTCAGCTTGAGTGCTGTTTACACTTGCA-3'
Protein context (NP_000156.1, residues 158-178): SILFKSIFEV[Ala168Thr]FLLIQWYIYG